The following is an entry in ClinVar:

ClinVar aggregate classification (germline): Uncertain significance (1 of 4 stars; one submission).

Submission:

Labcorp Genetics (formerly Invitae), Labcorp
Classification: Uncertain significance. Last evaluated: 2024-02-12. Review status: criteria provided, single submitter. Criteria: Invitae Variant Classification Sherloc (09022015). Collection method: clinical testing. Allele origin: germline.
Comment: This sequence change creates a premature translational stop signal (p.Gln1324Serfs*46) in the SETD5 gene. While this is not anticipated to result in nonsense mediated decay, it is expected to disrupt the last 119 amino acid(s) of the SETD5 protein. This variant is not present in population databases (gnomAD no frequency). This variant has not been reported in the literature in individuals affected with SETD5-related conditions. Experimental studies and prediction algorithms are not available or were not evaluated, and the functional significance of this variant is currently unknown. In summary, the available evidence is currently insufficient to determine the role of this variant in disease. Therefore, it has been classified as a Variant of Uncertain Significance.

NM_001080517.3(SETD5):c.3970del (p.Gln1324fs)

Gene: SETD5 (SET domain containing 5; plus strand). Cytogenetic location: 3p25.3.
Variant type: Deletion.
Coding change: c.3970del on transcript NM_001080517.3 (MANE Select); coding-DNA position 3970, one base deleted (C; older notation c.3970delC).
Protein change: p.Gln1324fs; shifts the reading frame from glutamine 1324.
Molecular consequence: frameshift variant.
Genome position (GRCh38, 1-based): chr3:9,475,732, C deleted; the last of 2 consecutive C bases (chr3:9,475,731-9,475,732); deleting either gives the same sequence. VCF-style (leftmost placement, unchanged base first): chr3-9475730-GC-G. GRCh37 (hg19) VCF-style: chr3-9517414-GC-G.
Other names: c.3676del, p.Gln1226fs (NM_001292043.2, NM_001349451.2); short protein forms Q1226fs, Q1324fs.
Identifiers: ClinVar variation 2820176 (VCV002820176.3), dbSNP rs2473985314, ClinGen allele CA2739278340.